The following is an entry in ClinVar:

NM_001792.5(CDH2):c.1802A>G (p.Asn601Ser)

Gene: CDH2 (cadherin 2; minus strand). Cytogenetic location: 18q12.1.
Variant type: single nucleotide variant.
Coding change: c.1802A>G on transcript NM_001792.5 (MANE Select); coding-DNA position 1802, A replaced by G.
Protein change: p.Asn601Ser; replaces asparagine 601 with serine.
Molecular consequence: missense variant.
Genome position (GRCh38, 1-based): chr18:27,985,701, T>C on the plus strand (A>G on the coding strand, the complement: CDH2 is on the minus strand). VCF-style: chr18-27985701-T-C. GRCh37 (hg19) VCF-style: chr18-25565665-T-C.
Other names: c.1802A>G (NM_001792.3); c.1709A>G, p.Asn570Ser (NM_001308176.2); short protein forms N601S, N570S.
Identifiers: ClinVar variation 1507570 (VCV001507570.11), dbSNP rs201775968, ClinGen allele CA8923295.

ClinVar aggregate classification (germline): Uncertain significance. Review status: criteria provided, multiple submitters, no conflicts (2 of 4 stars). 3 submissions from 3 submitters: Uncertain significance (3). Last evaluated 2025-11-17.

Conditions:
Inborn genetic diseases. Identifiers: MedGen C0950123, MeSH D030342.

Allele frequency attached by ClinVar (database versions not stated): ExAC 0.00002; gnomAD exomes 0.00002 and 0.00003; gnomAD 0.00008 and 0.00009; TOPMed 0.00013; 1000 Genomes Project 30x 0.00016; 1000 Genomes Project 0.00020.
gnomAD v4.1: 37 of 1,613,950 alleles (0.0023%); highest among the groups gnomAD compares: Admixed American, 0.025%; no homozygotes.

Submissions (3):

Labcorp Genetics (formerly Invitae), Labcorp
Classification: Uncertain significance. Last evaluated: 2025-11-17. Review status: criteria provided, single submitter. Criteria: Invitae Variant Classification Sherloc (09022015). Collection method: clinical testing. Allele origin: germline.
Comment: This sequence change replaces asparagine, which is neutral and polar, with serine, which is neutral and polar, at codon 601 of the CDH2 protein (p.Asn601Ser). This variant is present in population databases (rs201775968, gnomAD 0.009%). This variant has not been reported in the literature in individuals affected with CDH2-related conditions. ClinVar contains an entry for this variant (Variation ID: 1507570). An algorithm developed to predict the effect of missense changes on protein structure and function (PolyPhen-2) suggests that this variant is likely to be tolerated. This variant disrupts the p.Asn601 amino acid residue in CDH2. Other variant(s) that disrupt this residue have been determined to be pathogenic (PMID: 31585109). This suggests that this residue is clinically significant, and that variants that disrupt this residue are likely to be disease-causing. In summary, the available evidence is currently insufficient to determine the role of this variant in disease. Therefore, it has been classified as a Variant of Uncertain Significance.

Women's Health and Genetics/Laboratory Corporation of America, LabCorp
Classification: Uncertain significance. Last evaluated: 2025-01-20. Review status: criteria provided, single submitter. Criteria: LabCorp Variant Classification Summary - May 2015. Collection method: clinical testing. Allele origin: germline.
Comment: Variant summary: CDH2 c.1802A>G (p.Asn601Ser) results in a conservative amino acid change located in the Cadherin-like domain (IPR002126) of the encoded protein sequence. Four of five in-silico tools predict a damaging effect of the variant on protein function. The variant allele was found at a frequency of 2.8e-05 in 251104 control chromosomes. The available data on variant occurrences in the general population are insufficient to allow any conclusion about variant significance. To our knowledge, no occurrence of c.1802A>G in individuals affected with CDH2-Related Disorders and no experimental evidence demonstrating its impact on protein function have been reported. ClinVar contains an entry for this variant (Variation ID: 1507570). Based on the evidence outlined above, the variant was classified as uncertain significance.

Ambry Genetics
Classification: Uncertain significance for Inborn genetic diseases. Last evaluated: 2023-11-14. Review status: criteria provided, single submitter. Criteria: Ambry Variant Classification Scheme 2023. Collection method: clinical testing. Allele origin: germline.

Literature cited by the submitters: PubMed 31585109 (cited by Labcorp Genetics (formerly Invitae), Labcorp).